The following is an entry in ClinVar:

NM_007294.4(BRCA1):c.2832T>A (p.Cys944Ter)

Gene: BRCA1 (BRCA1 DNA repair associated; minus strand). Cytogenetic location: 17q21.31.
Variant type: single nucleotide variant.
Coding change: c.2832T>A on transcript NM_007294.4 (MANE Select); coding-DNA position 2832, T replaced by A.
Protein change: p.Cys944Ter; replaces cysteine 944 with a stop codon.
Molecular consequence: nonsense. On other transcripts: intron variant (137).
Genome position (GRCh38, 1-based): chr17:43,092,699, A>T on the plus strand (T>A on the coding strand, the complement: BRCA1 is on the minus strand). VCF-style: chr17-43092699-A-T. GRCh37 (hg19) VCF-style: chr17-41244716-A-T.
Other names: c.2832T>A, p.Cys944Ter (NM_007300.4, NM_001407581.1, NM_001407582.1 and 30 more transcripts); c.647-1667T>A (NM_001408458.1, NM_001408469.1, NM_001408453.1 and 11 more transcripts); c.284-1667T>A (NM_001408512.1); c.407-1667T>A (NM_001408510.1); c.644-1667T>A (NM_001408470.1, NM_001408464.1, NM_001408468.1 and 3 more transcripts); c.785-1667T>A (NM_001408397.1, NM_001408401.1, NM_001408396.1 and 13 more transcripts); c.665-1667T>A (NM_001408436.1, NM_001408444.1, NM_001408438.1 and 12 more transcripts); c.788-1667T>A (NM_001407980.1, NM_001407993.1, NM_001407976.1 and 17 more transcripts); and 41 more; short protein forms C944*, C897*, C832*, C873*, C917*, C941*, C833*, C874*.
Identifiers: ClinVar variation 54691 (VCV000054691.18), dbSNP rs80357458, ClinGen allele CA001848.

ClinVar aggregate classification (germline): Pathogenic. Review status: reviewed by expert panel (3 of 4 stars). 5 submissions from 5 submitters: Pathogenic (1). 4 of the submissions do not count toward it. Last evaluated 2016-09-08.

Conditions:
Hereditary cancer-predisposing syndrome. Also called: Tumor predisposition; Neoplastic Syndromes, Hereditary; Hereditary Cancer Syndrome; Hereditary neoplastic syndrome. Identifiers: Orphanet 140162, MedGen C0027672, MeSH D009386, MONDO:0015356.
Hereditary breast ovarian cancer syndrome. Also called: Hereditary breast and ovarian cancer syndrome (HBOC); Hereditary breast and ovarian cancer syndrome; Hereditary breast and ovarian cancer; Hereditary breast and/or ovarian cancer syndrome; Breast and ovarian cancer; BRCA1- and BRCA2-Associated Hereditary Breast and Ovarian Cancer. Identifiers: Orphanet 145, MedGen C0677776, MeSH D061325, MONDO:0003582. Disease mechanism: loss of function.
Breast-ovarian cancer, familial, susceptibility to, 1 (BROVCA1). Also called: OVARIAN CANCER, SUSCEPTIBILITY TO; BRCA1 Hereditary Breast and Ovarian Cancer. Identifiers: Orphanet 145, MedGen C2676676, MONDO:0011450, OMIM 604370. Disease mechanism: loss of function.

Allele frequency attached by ClinVar (database versions not stated): TOPMed below 0.00001.

Submissions (5):

Evidence-based Network for the Interpretation of Germline Mutant Alleles (ENIGMA)
Classification: Pathogenic for Breast-ovarian cancer, familial, susceptibility to, 1. Last evaluated: 2016-09-08. Review status: reviewed by expert panel. Criteria: ENIGMA BRCA1/2 Classification Criteria (2015). Collection method: curation. Allele origin: germline.
Comment: Variant allele predicted to encode a truncated non-functional protein.

Labcorp Genetics (formerly Invitae), Labcorp
Classification: Pathogenic for Hereditary breast ovarian cancer syndrome. Last evaluated: 2025-05-13. Review status: criteria provided, single submitter. Criteria: Invitae Variant Classification Sherloc (09022015). Collection method: clinical testing. Allele origin: germline. Not counted in ClinVar's aggregate classification.
Comment: This sequence change creates a premature translational stop signal (p.Cys944*) in the BRCA1 gene. It is expected to result in an absent or disrupted protein product. Loss-of-function variants in BRCA1 are known to be pathogenic (PMID: 20104584). This variant is not present in population databases (gnomAD no frequency). This premature translational stop signal has been observed in individual(s) with breast and/or ovarian cancer (PMID: 16284991, 29470806). ClinVar contains an entry for this variant (Variation ID: 54691). For these reasons, this variant has been classified as Pathogenic.

Ambry Genetics
Classification: Pathogenic for Hereditary cancer-predisposing syndrome. Last evaluated: 2024-05-21. Review status: criteria provided, single submitter. Criteria: Ambry Variant Classification Scheme 2023. Collection method: clinical testing. Allele origin: germline. Not counted in ClinVar's aggregate classification.
Comment: The p.C944* pathogenic mutation (also known as c.2832T>A), located in coding exon 9 of the BRCA1 gene, results from a T to A substitution at nucleotide position 2832. This changes the amino acid from a cysteine to a stop codon within coding exon 9. This alteration has been identified in patients diagnosed with breast and/or ovarian cancer (Pal T et al. Cancer. 2005 Dec;104:2807-16; Singh J et al. Breast Cancer Res. Treat. 2018 Jul;170:189-196). This variant is considered to be rare based on population cohorts in the Genome Aggregation Database (gnomAD). In addition to the clinical data presented in the literature, this alteration is expected to result in loss of function by premature protein truncation or nonsense-mediated mRNA decay. As such, this alteration is interpreted as a disease-causing mutation.

Baylor Genetics
Classification: Pathogenic for Breast-ovarian cancer, familial, susceptibility to, 1. Last evaluated: 2024-01-04. Review status: criteria provided, single submitter. Criteria: ACMG Guidelines, 2015. Collection method: clinical testing. Allele origin: unknown. Not counted in ClinVar's aggregate classification.

Breast Cancer Information Core (BIC) (BRCA1)
Classification: Pathogenic for Breast-ovarian cancer, familial 1. Last evaluated: 2002-06-20. Review status: no assertion criteria provided. Collection method: clinical testing. Allele origin: germline. Affected: yes. Observed: 1 variant allele. Not counted in ClinVar's aggregate classification.

Literature cited by the submitters: PubMed 20104584 (cited by Labcorp Genetics (formerly Invitae), Labcorp); PubMed 16284991 (cited by Labcorp Genetics (formerly Invitae), Labcorp and Ambry Genetics); PubMed 29470806 (cited by Labcorp Genetics (formerly Invitae), Labcorp and Ambry Genetics).